The following is an entry in ClinVar:

NM_000435.3(NOTCH3):c.5322C>T (p.Asp1774=)

Gene: NOTCH3 (notch receptor 3; minus strand). Cytogenetic location: 19p13.12.
Variant type: single nucleotide variant.
Coding change: c.5322C>T on transcript NM_000435.3 (MANE Select); coding-DNA position 5322, C replaced by T.
Protein change: p.Asp1774=; no amino-acid change (aspartic acid 1774 retained).
Molecular consequence: synonymous variant.
Genome position (GRCh38, 1-based): chr19:15,167,289, G>A on the plus strand (C>T on the coding strand, the complement: NOTCH3 is on the minus strand). VCF-style: chr19-15167289-G-A. GRCh37 (hg19) VCF-style: chr19-15278100-G-A.
Other names: p.Asp1774=.
Identifiers: ClinVar variation 3699369 (VCV003699369.3).
Genomic context (GRCh38, chr19:15,167,289, plus strand): 5'-GGAGGGGCACTGTCACTAACCTGGGCCACGCACATTGACATCCATGCCATCAGCATCTGC[G>A]TCGCCCTGTGGTGGTGTCAGTGCCATGGCTGGTGCCACGCGGATGTCAGCAGCAACCAGA-3'
Protein context (NP_000426.2, residues 1764-1784): PAMALTPPQG[Asp1774=]ADADGMDVNV

ClinVar aggregate classification (germline): Likely benign. Review status: criteria provided, multiple submitters, no conflicts (2 of 4 stars). 2 submissions from 2 submitters: Likely benign (2). Last evaluated 2025-03-18.

gnomAD v4.1: 70 of 1,613,502 alleles (0.0043%); highest among the groups gnomAD compares: African/African-American, 0.016%; no homozygotes.

Submissions (2):

Mayo Clinic Laboratories, Mayo Clinic
Classification: Likely benign. Last evaluated: 2025-03-18. Review status: criteria provided, single submitter. Criteria: ACMG Guidelines, 2015. Collection method: clinical testing. Allele origin: germline. Observed: 2 variant alleles.
Comment: BP4, BP7

Labcorp Genetics (formerly Invitae), Labcorp
Classification: Likely benign. Last evaluated: 2024-04-20. Review status: criteria provided, single submitter. Criteria: Invitae Variant Classification Sherloc (09022015). Collection method: clinical testing. Allele origin: germline.